The following is an entry in ClinVar:

NM_000075.4(CDK4):c.875A>G (p.His292Arg)

Genes: CDK4 (cyclin dependent kinase 4; minus strand), TSPAN31 (tetraspanin 31; plus strand). Cytogenetic location: 12q14.1.
Variant type: single nucleotide variant.
Coding change: c.875A>G on transcript NM_000075.4 (MANE Select); coding-DNA position 875, A replaced by G.
Protein change: p.His292Arg; replaces histidine 292 with arginine.
Molecular consequence: missense variant. On other transcripts: 3 prime UTR variant (3).
Genome position (GRCh38, 1-based): chr12:57,748,562, T>C on the plus strand (A>G on the coding strand, the complement: CDK4 is on the minus strand). VCF-style: chr12-57748562-T-C. GRCh37 (hg19) VCF-style: chr12-58142345-T-C.
Other names: c.*1272T>C (NM_001330168.2, NM_001330169.2, NM_005981.5); short protein forms H292R.
Identifiers: ClinVar variation 1764562 (VCV001764562.4), dbSNP rs2140381088, ClinGen allele CA385542339.

ClinVar aggregate classification (germline): Uncertain significance. Review status: criteria provided, multiple submitters, no conflicts (2 of 4 stars). 2 submissions from 2 submitters: Uncertain significance (2). Last evaluated 2023-07-31.

Conditions:
Familial melanoma. Also called: Hereditary melanoma; Hereditary cutaneous melanoma. Identifiers: Orphanet 618, MedGen C1512419, MONDO:0018961.
Hereditary cancer-predisposing syndrome. Also called: Neoplastic Syndromes, Hereditary; Tumor predisposition; Hereditary Cancer Syndrome; Hereditary neoplastic syndrome. Identifiers: Orphanet 140162, MedGen C0027672, MeSH D009386, MONDO:0015356.

Allele frequency attached by ClinVar (database versions not stated): gnomAD exomes below 0.00001.
gnomAD v4.1: 1 of 1,613,888 alleles (0.000062%); highest among the groups gnomAD compares: Non-Finnish European, 0.000085%; no homozygotes.

Submissions (2):

Labcorp Genetics (formerly Invitae), Labcorp
Classification: Uncertain significance for Familial melanoma. Last evaluated: 2023-07-31. Review status: criteria provided, single submitter. Criteria: Invitae Variant Classification Sherloc (09022015). Collection method: clinical testing. Allele origin: germline.
Comment: In summary, the available evidence is currently insufficient to determine the role of this variant in disease. Therefore, it has been classified as a Variant of Uncertain Significance. Advanced modeling of protein sequence and biophysical properties (such as structural, functional, and spatial information, amino acid conservation, physicochemical variation, residue mobility, and thermodynamic stability) performed at Invitae indicates that this missense variant is expected to disrupt CDK4 protein function. ClinVar contains an entry for this variant (Variation ID: 1764562). This variant has not been reported in the literature in individuals affected with CDK4-related conditions. This variant is not present in population databases (gnomAD no frequency). This sequence change replaces histidine, which is basic and polar, with arginine, which is basic and polar, at codon 292 of the CDK4 protein (p.His292Arg).

Ambry Genetics
Classification: Uncertain significance for Hereditary cancer-predisposing syndrome. Last evaluated: 2020-01-02. Review status: criteria provided, single submitter. Criteria: Ambry Variant Classification Scheme 2023. Collection method: clinical testing. Allele origin: germline.
Comment: The p.H292R variant (also known as c.875A>G), located in coding exon 7 of the CDK4 gene, results from an A to G substitution at nucleotide position 875. The histidine at codon 292 is replaced by arginine, an amino acid with highly similar properties. This amino acid position is highly conserved in available vertebrate species. In addition, this alteration is predicted to be deleterious by in silico analysis. Since supporting evidence is limited at this time, the clinical significance of this alteration remains unclear.